The following is an entry in ClinVar:

ClinVar aggregate classification (germline): Uncertain significance (1 of 4 stars; one submission).

Conditions:
Cardiovascular phenotype. Identifiers: MedGen CN230736.

Allele frequency attached by ClinVar (database versions not stated): gnomAD exomes 0.00001.
gnomAD v4.1: 7 of 1,585,486 alleles (0.00044%); highest among the groups gnomAD compares: Non-Finnish European, 0.0006%; no homozygotes.

Submission:

Ambry Genetics
Classification: Uncertain significance for Cardiovascular phenotype. Last evaluated: 2024-01-11. Review status: criteria provided, single submitter. Criteria: Ambry Variant Classification Scheme 2023. Collection method: clinical testing. Allele origin: germline.
Comment: The p.H1257R variant (also known as c.3770A>G), located in coding exon 12 of the AKAP9 gene, results from an A to G substitution at nucleotide position 3770. The histidine at codon 1257 is replaced by arginine, an amino acid with highly similar properties. This amino acid position is conserved. In addition, this alteration is predicted to be tolerated by in silico analysis. Since supporting evidence is limited at this time, the clinical significance of this alteration remains unclear.

NM_005751.5(AKAP9):c.3770A>G (p.His1257Arg)

Gene: AKAP9 (A-kinase anchoring protein 9; plus strand). Cytogenetic location: 7q21.2.
Variant type: single nucleotide variant.
Coding change: c.3770A>G on transcript NM_005751.5 (MANE Select); coding-DNA position 3770, A replaced by G.
Protein change: p.His1257Arg; replaces histidine 1257 with arginine.
Molecular consequence: missense variant.
Genome position (GRCh38, 1-based): chr7:92,017,035, A>G. VCF-style: chr7-92017035-A-G. GRCh37 (hg19) VCF-style: chr7-91646349-A-G.
Other names: c.3770A>G, p.His1257Arg (NM_147185.3); short protein forms H1257R.
Identifiers: ClinVar variation 3225050 (VCV003225050.1), dbSNP rs377136514, ClinGen allele CA368127209.